The following is an entry in ClinVar:

ClinVar aggregate classification (germline): Uncertain significance (1 of 4 stars; one submission).

Submission:

Ambry Genetics
Classification: Uncertain significance. Last evaluated: 2024-02-11. Review status: criteria provided, single submitter. Criteria: Ambry Variant Classification Scheme 2023. Collection method: clinical testing. Allele origin: germline.
Comment: The p.N2061S variant (also known as c.6182A>G), located in coding exon 19 of the POLQ gene, results from an A to G substitution at nucleotide position 6182. The asparagine at codon 2061 is replaced by serine, an amino acid with highly similar properties. This amino acid position is conserved. In addition, this alteration is predicted to be tolerated by in silico analysis. Based on the available evidence, the clinical significance of this alteration remains unclear.

NM_199420.4(POLQ):c.6182A>G (p.Asn2061Ser)

Gene: POLQ (DNA polymerase theta; minus strand). Cytogenetic location: 3q13.33.
Variant type: single nucleotide variant.
Coding change: c.6182A>G on transcript NM_199420.4 (MANE Select); coding-DNA position 6182, A replaced by G.
Protein change: p.Asn2061Ser; replaces asparagine 2061 with serine.
Molecular consequence: missense variant.
Genome position (GRCh38, 1-based): chr3:121,481,601, T>C on the plus strand (A>G on the coding strand, the complement: POLQ is on the minus strand). VCF-style: chr3-121481601-T-C. GRCh37 (hg19) VCF-style: chr3-121200448-T-C.
Other names: short protein forms N2061S.
Identifiers: ClinVar variation 3230095 (VCV003230095.1), dbSNP rs1453706331, ClinGen allele CA354087652.